The following is an entry in ClinVar:

ClinVar aggregate classification (germline): Likely benign (1 of 4 stars; one submission).

Conditions:
Adams-Oliver syndrome 5 (AOS5). Identifiers: Orphanet 974, MedGen C4014970, MONDO:0014459, OMIM 616028.
Adams-Oliver syndrome (AOS). Identifiers: Orphanet 974, MedGen C0265268, MONDO:0007034.
Aortic valve disorder (AOVD1). Also called: AORTIC VALVE DISEASE. Identifiers: MedGen C1260873, MONDO:0003803.

Allele frequency attached by ClinVar (database versions not stated): gnomAD exomes below 0.00001; TOPMed below 0.00001.
gnomAD v4.1: 1 of 1,606,258 alleles (0.000062%); highest among the groups gnomAD compares: South Asian, 0.0011%; no homozygotes.

Submission:

Labcorp Genetics (formerly Invitae), Labcorp
Classification: Likely benign for Adams-Oliver syndrome 5. Last evaluated: 2024-02-17. Review status: criteria provided, single submitter. Criteria: Invitae Variant Classification Sherloc (09022015). Collection method: clinical testing. Allele origin: germline.

NM_017617.5(NOTCH1):c.6393C>T (p.Gly2131=)

Gene: NOTCH1 (notch receptor 1; minus strand). Cytogenetic location: 9q34.3.
Variant type: single nucleotide variant.
Coding change: c.6393C>T on transcript NM_017617.5 (MANE Select); coding-DNA position 6393, C replaced by T.
Protein change: p.Gly2131=; no amino-acid change (glycine 2131 retained).
Molecular consequence: synonymous variant.
Genome position (GRCh38, 1-based): chr9:136,497,346, G>A on the plus strand (C>T on the coding strand, the complement: NOTCH1 is on the minus strand). VCF-style: chr9-136497346-G-A. GRCh37 (hg19) VCF-style: chr9-139391798-G-A.
Identifiers: ClinVar variation 839770 (VCV000839770.10), dbSNP rs1390112624, ClinGen allele CA467832614.
Genomic context (GRCh38, chr9:136,497,346, plus strand): 5'-GGGCTTGAGGCTGCCCAGGTAGCCGTTGGGCGAGCAGAGCGGGGGCGACAGGGTGGGCGT[G>A]CCCCCCAGCGGGGCTCCGTGCAGCTGCGGGCTGCGCACCAGGTTGTACTCGTCCAGCAGC-3'
Protein context (NP_060087.3, residues 2121-2141): SPQLHGAPLG[Gly2131=]TPTLSPPLCS